The following is an entry in ClinVar:

ClinVar aggregate classification (germline): Uncertain significance. Review status: criteria provided, multiple submitters, no conflicts (2 of 4 stars). 4 submissions from 4 submitters: Uncertain significance (4). Last evaluated 2024-11-25.

Conditions:
Fanconi anemia (FA). Also called: Fanconi's anemia. Identifiers: Orphanet 84, MedGen C0015625, MeSH D005199, MONDO:0019391.
Inborn genetic diseases. Identifiers: MedGen C0950123, MeSH D030342.

Allele frequency attached by ClinVar (database versions not stated): gnomAD exomes below 0.00001 and 0.00001; TOPMed below 0.00001; ExAC 0.00001; gnomAD 0.00001.
gnomAD v4.1: 3 of 1,611,676 alleles (0.00019%); highest among the groups gnomAD compares: Admixed American, 0.005%; no homozygotes.

Submissions (4):

Ambry Genetics
Classification: Uncertain significance for Inborn genetic diseases. Last evaluated: 2024-11-25. Review status: criteria provided, single submitter. Criteria: Ambry Variant Classification Scheme 2023. Collection method: clinical testing. Allele origin: germline.
Comment: The p.Y225H variant (also known as c.673T>C), located in coding exon 2 of the FANCM gene, results from a T to C substitution at nucleotide position 673. The tyrosine at codon 225 is replaced by histidine, an amino acid with similar properties. This amino acid position is conserved. In addition, the in silico prediction for this alteration is inconclusive. Based on the available evidence, the clinical significance of this variant remains unclear.

GeneDx
Classification: Uncertain significance. Last evaluated: 2024-04-17. Review status: criteria provided, single submitter. Criteria: GeneDx Variant Classification Process June 2021. Collection method: clinical testing. Allele origin: germline. Affected: yes.
Comment: Not observed at significant frequency in large population cohorts (gnomAD); In silico analysis supports that this missense variant has a deleterious effect on protein structure/function; Has not been previously published as pathogenic or benign to our knowledge

Labcorp Genetics (formerly Invitae), Labcorp
Classification: Uncertain significance for Fanconi anemia. Last evaluated: 2023-02-03. Review status: criteria provided, single submitter. Criteria: Invitae Variant Classification Sherloc (09022015). Collection method: clinical testing. Allele origin: germline.
Comment: This sequence change replaces tyrosine, which is neutral and polar, with histidine, which is basic and polar, at codon 225 of the FANCM protein (p.Tyr225His). This variant is present in population databases (rs771120876, gnomAD 0.009%). This variant has not been reported in the literature in individuals affected with FANCM-related conditions. ClinVar contains an entry for this variant (Variation ID: 837338). Algorithms developed to predict the effect of missense changes on protein structure and function are either unavailable or do not agree on the potential impact of this missense change (SIFT: "Deleterious"; PolyPhen-2: "Probably Damaging"; Align-GVGD: "Class C0"). In summary, the available evidence is currently insufficient to determine the role of this variant in disease. Therefore, it has been classified as a Variant of Uncertain Significance.

Quest Diagnostics Nichols Institute San Juan Capistrano
Classification: Uncertain significance. Last evaluated: 2022-10-28. Review status: criteria provided, single submitter. Criteria: Quest Diagnostics criteria. Collection method: clinical testing. Allele origin: unknown.
Comment: The variant has not been reported in the published literature. The frequency of this variant in the general population, 0.00011 (4/35432 chromosomes), is uninformative in assessment of its pathogenicity. Analysis of this variant using bioinformatics tools for the prediction of the effect of amino acid changes on protein structure and function yielded predictions that this variant is damaging. Based on the available information, we are unable to determine the clinical significance of this variant.

NM_020937.4(FANCM):c.673T>C (p.Tyr225His)

Gene: FANCM (FA complementation group M; plus strand). Cytogenetic location: 14q21.2.
Variant type: single nucleotide variant.
Coding change: c.673T>C on transcript NM_020937.4 (MANE Select); coding-DNA position 673, T replaced by C.
Protein change: p.Tyr225His; replaces tyrosine 225 with histidine.
Molecular consequence: missense variant.
Genome position (GRCh38, 1-based): chr14:45,137,233, T>C. VCF-style: chr14-45137233-T-C. GRCh37 (hg19) VCF-style: chr14-45606436-T-C.
Other names: c.673T>C, p.Tyr225His (NM_001308133.2, NM_001308134.2); c.673T>C (NM_020937.3); short protein forms Y225H.
Identifiers: ClinVar variation 837338 (VCV000837338.10), dbSNP rs771120876, ClinGen allele CA7168817.